The following is an entry in ClinVar:

NM_001378454.1(ALMS1):c.2671C>T (p.Pro891Ser)

Gene: ALMS1 (ALMS1 centrosome and basal body associated protein; plus strand). Cytogenetic location: 2p13.1.
Variant type: single nucleotide variant.
Coding change: c.2671C>T on transcript NM_001378454.1 (MANE Select); coding-DNA position 2671, C replaced by T.
Protein change: p.Pro891Ser; replaces proline 891 with serine.
Molecular consequence: missense variant.
Genome position (GRCh38, 1-based): chr2:73,449,198, C>T. VCF-style: chr2-73449198-C-T. GRCh37 (hg19) VCF-style: chr2-73676325-C-T.
Other names: c.2674C>T, p.Pro892Ser (NM_015120.4); short protein forms P891S, P892S.
Identifiers: ClinVar variation 1794592 (VCV001794592.2), dbSNP rs369525518, ClinGen allele CA1713395.

ClinVar aggregate classification (germline): Uncertain significance (1 of 4 stars; one submission).

Conditions:
Cardiovascular phenotype. Identifiers: MedGen CN230736.

Allele frequency attached by ClinVar (database versions not stated): gnomAD exomes below 0.00001; ExAC 0.00001; ESP Exome Variant Server 0.00008.
gnomAD v4.1: 1 of 1,614,038 alleles (0.000062%); highest among the groups gnomAD compares: Non-Finnish European, 0.000085%; no homozygotes.

Submission:

Ambry Genetics
Classification: Uncertain significance for Cardiovascular phenotype. Last evaluated: 2020-08-26. Review status: criteria provided, single submitter. Criteria: Ambry Variant Classification Scheme 2023. Collection method: clinical testing. Allele origin: germline.
Comment: The p.P892S variant (also known as c.2674C>T), located in coding exon 8 of the ALMS1 gene, results from a C to T substitution at nucleotide position 2674. The proline at codon 892 is replaced by serine, an amino acid with similar properties. This amino acid position is well conserved in available vertebrate species. In addition, this alteration is predicted to be tolerated by in silico analysis. Since supporting evidence is limited at this time, the clinical significance of this alteration remains unclear.